The following is an entry in ClinVar:

NM_153240.5(NPHP3):c.151G>A (p.Ala51Thr)

Genes: NPHP3 (nephrocystin 3; minus strand), NPHP3-ACAD11 (NPHP3-ACAD11 readthrough (NMD candidate); minus strand), NPHP3-AS1 (NPHP3 antisense RNA 1; plus strand), LOC129937586 (ATAC-STARR-seq lymphoblastoid silent region 14743; plus strand). Cytogenetic location: 3q22.1.
Variant type: single nucleotide variant.
Coding change: c.151G>A on transcript NM_153240.5 (MANE Select); coding-DNA position 151, G replaced by A.
Protein change: p.Ala51Thr; replaces alanine 51 with threonine.
Molecular consequence: missense variant. On other transcripts: non-coding transcript variant (3).
Genome position (GRCh38, 1-based): chr3:132,722,205, C>T on the plus strand (G>A on the coding strand, the complement: NPHP3 is on the minus strand). VCF-style: chr3-132722205-C-T. GRCh37 (hg19) VCF-style: chr3-132441049-C-T.
Other names: short protein forms A51T.
Identifiers: ClinVar variation 1985128 (VCV001985128.4), dbSNP rs544912479, ClinGen allele CA354589638.
Genomic context (GRCh38, chr3:132,722,205, plus strand): 5'-CCAGCAGCCCGCCCGCGCCCACCCCGCGGGGCAGCGACCCGGGCCCGGCCCCTGCTGCCG[C>T]CCCCGCGCCTCGGCGGAACGAGTTGCGCAGCAGGCGGGCCTTGGGCTTCACCTCCACCGG-3'
Protein context (NP_694972.3, residues 41-61): LRNSFRRGAG[Ala51Thr]AAGAGPGSLP

ClinVar aggregate classification (germline): Uncertain significance. Review status: criteria provided, multiple submitters, no conflicts (2 of 4 stars). 2 submissions from 2 submitters: Uncertain significance (2). Last evaluated 2025-06-12.

Conditions:
Renal-hepatic-pancreatic dysplasia 1 (RHPD1). Identifiers: MedGen C3715199, MONDO:0008833, OMIM 208540.
Nephronophthisis 3 (NPHP3). Also called: Adolescent nephronophthisis. Identifiers: Orphanet 655, MedGen C1858392, MONDO:0011456, OMIM 604387.
NPHP3-related Meckel-like syndrome. Also called: GOLDSTON SYNDROME; Meckel syndrome type 7. Identifiers: Orphanet 3032, MedGen C2673885, MONDO:0009966, OMIM 267010.
Nephronophthisis. Also called: Juvenile Nephronophthisis. Identifiers: Orphanet 655, MedGen C0687120, MONDO:0019005, HP:0000090.

gnomAD v4.1: 4 of 1,513,214 alleles (0.00026%); highest among the groups gnomAD compares: African/African-American, 0.0043%; no homozygotes.

Submissions (2):

Labcorp Genetics (formerly Invitae), Labcorp
Classification: Uncertain significance for Nephronophthisis. Last evaluated: 2025-06-12. Review status: criteria provided, single submitter. Criteria: Invitae Variant Classification Sherloc (09022015). Collection method: clinical testing. Allele origin: germline.
Comment: This sequence change replaces alanine, which is neutral and non-polar, with threonine, which is neutral and polar, at codon 51 of the NPHP3 protein (p.Ala51Thr). The frequency data for this variant in the population databases is considered unreliable, as metrics indicate poor data quality at this position in the gnomAD database. This variant has not been reported in the literature in individuals affected with NPHP3-related conditions. ClinVar contains an entry for this variant (Variation ID: 1985128). An algorithm developed to predict the effect of missense changes on protein structure and function (PolyPhen-2) suggests that this variant is likely to be tolerated. In summary, the available evidence is currently insufficient to determine the role of this variant in disease. Therefore, it has been classified as a Variant of Uncertain Significance.

Fulgent Genetics
Classification: Uncertain significance for Renal-hepatic-pancreatic dysplasia 1; NPHP3-related Meckel-like syndrome; Nephronophthisis 3. Last evaluated: 2024-05-21. Review status: criteria provided, single submitter. Criteria: ACMG Guidelines, 2015. Collection method: clinical testing. Allele origin: germline.